The following is an entry in ClinVar:

NM_001042492.3(NF1):c.3447_3448delinsTG (p.Met1149_Ser1150delinsIleAla)

Gene: NF1 (neurofibromin 1; plus strand). Cytogenetic location: 17q11.2.
Variant type: Indel.
Coding change: c.3447_3448delinsTG on transcript NM_001042492.3 (MANE Select); coding-DNA positions 3447 to 3448, GT replaced by TG.
Protein change: p.Met1149_Ser1150delinsIleAla.
Molecular consequence: missense variant.
Genome position (GRCh38, 1-based): chr17:31,232,832-31,232,833, GT replaced by TG. VCF-style: chr17-31232832-GT-TG. GRCh37 (hg19) VCF-style: chr17-29559850-GT-TG.
Other names: c.3447_3448delGTinsTG, p.Met1149_Ser1150delinsIleAla (NM_000267.4).
Identifiers: ClinVar variation 838458 (VCV000838458.5), dbSNP rs2067137517, ClinGen allele CA916080657.
Genomic context (GRCh38, chr17:31,232,832, plus strand): 5'-CAGGAAACGTGGCATGTCTCGGAGGCTGGCATCACTGAGGCACTGTACGGTCCTTGCAAT[GT>TG]CAAACTTACTCAATGCCAACGTAGACAGTGGTCTCATGCACTCCATAGGTGAGATCAAAT-3'

ClinVar aggregate classification (germline): Pathogenic (1 of 4 stars; one submission).

Conditions:
Neurofibromatosis, type 1 (NF1). Also called: Peripheral type neurofibromatosis; Neurofibromatosis, type I; VON RECKLINGHAUSEN DISEASE; NEUROFIBROMATOSIS, TYPE I, SOMATIC. Identifiers: Orphanet 636, MedGen C0027831, MONDO:0018975, OMIM 162200. Disease mechanism: loss of function.

Submission:

Labcorp Genetics (formerly Invitae), Labcorp
Classification: Pathogenic for Neurofibromatosis, type 1. Last evaluated: 2023-07-17. Review status: criteria provided, single submitter. Criteria: Invitae Variant Classification Sherloc (09022015). Collection method: clinical testing. Allele origin: germline.
Comment: For these reasons, this variant has been classified as Pathogenic. This variant disrupts a region of the NF1 protein in which other variant(s) (p.Met1149Val) have been determined to be pathogenic (PMID: 3656349, 24711935, 28706617, 31595648; Invitae). This suggests that this is a clinically significant region of the protein, and that variants that disrupt it are likely to be disease-causing. Experimental studies and prediction algorithms are not available or were not evaluated, and the functional significance of this variant is currently unknown. ClinVar contains an entry for this variant (Variation ID: 838458). This variant has not been reported in the literature in individuals affected with NF1-related conditions. Information on the frequency of this variant in the gnomAD database is not available, as this variant may be reported differently in the database. This variant, c.3447_3448delinsTG, is a complex sequence change that results in the deletion and insertion of 2 amino acid(s) in the NF1 protein (p.Met1149_Ser1150delinsIleAla).

Literature cited by the submitters: PubMed 3656349; PubMed 24711935; PubMed 28706617; PubMed 31595648.